The following is an entry in ClinVar:

NM_004820.5(CYP7B1):c.1233G>A (p.Glu411=)

Gene: CYP7B1 (cytochrome P450 family 7 subfamily B member 1; minus strand). Cytogenetic location: 8q12.3.
Variant type: single nucleotide variant.
Coding change: c.1233G>A on transcript NM_004820.5 (MANE Select); coding-DNA position 1233, G replaced by A.
Protein change: p.Glu411=; no amino-acid change (glutamic acid 411 retained).
Molecular consequence: synonymous variant.
Genome position (GRCh38, 1-based): chr8:64,604,682, C>T on the plus strand (G>A on the coding strand, the complement: CYP7B1 is on the minus strand). VCF-style: chr8-64604682-C-T. GRCh37 (hg19) VCF-style: chr8-65517239-C-T.
Other names: c.1233G>A, p.Glu411= (NM_001324112.2).
Identifiers: ClinVar variation 363580 (VCV000363580.7), dbSNP rs369566738, ClinGen allele CA4764028.
Genomic context (GRCh38, chr8:64,604,682, plus strand): 5'-GAAGAGGAATGTGCCCACAGGATCTAAGAAGTAGCAATCATAGGCTTGATGTTTACTTAC[C>T]TCTGGAGCTTCAAAGATTTCAGGGTCACCATGTAGGACTGGAGGAAAGATGGCTACCAAG-3'
Protein context (NP_004811.1, residues 401-421): HGDPEIFEAP[Glu411=]EFRYDRFIED

ClinVar aggregate classification (germline): Uncertain significance. Review status: criteria provided, multiple submitters, no conflicts (2 of 4 stars). 2 submissions from 2 submitters: Uncertain significance (2). Last evaluated 2022-06-26.

Conditions:
Hereditary spastic paraplegia 5A (SPG5A). Also called: SPASTIC PARAPLEGIA 5A, AUTOSOMAL RECESSIVE. Identifiers: Orphanet 100986, MedGen C1849115, MONDO:0010047, OMIM 270800.
Spastic paraplegia. Identifiers: MedGen C0037772, HP:0001258.

Allele frequency attached by ClinVar (database versions not stated): gnomAD 0.00002; TOPMed 0.00002; ExAC 0.00003; gnomAD exomes 0.00003; ESP Exome Variant Server 0.00008.
gnomAD v4.1: 19 of 1,613,946 alleles (0.0012%); highest among the groups gnomAD compares: Non-Finnish European, 0.00017%; no homozygotes.

Submissions (2):

Labcorp Genetics (formerly Invitae), Labcorp
Classification: Uncertain significance for Spastic paraplegia. Last evaluated: 2022-06-26. Review status: criteria provided, single submitter. Criteria: Invitae Variant Classification Sherloc (09022015). Collection method: clinical testing. Allele origin: germline.
Comment: This sequence change affects codon 411 of the CYP7B1 mRNA. It is a 'silent' change, meaning that it does not change the encoded amino acid sequence of the CYP7B1 protein. This variant also falls at the last nucleotide of exon 5, which is part of the consensus splice site for this exon. This variant is present in population databases (rs369566738, gnomAD 0.08%). This variant has not been reported in the literature in individuals affected with CYP7B1-related conditions. ClinVar contains an entry for this variant (Variation ID: 363580). Variants that disrupt the consensus splice site are a relatively common cause of aberrant splicing (PMID: 17576681, 9536098). Algorithms developed to predict the effect of sequence changes on RNA splicing suggest that this variant is not likely to affect RNA splicing. In summary, the available evidence is currently insufficient to determine the role of this variant in disease. Therefore, it has been classified as a Variant of Uncertain Significance.

Illumina Laboratory Services, Illumina
Classification: Uncertain significance for Hereditary spastic paraplegia 5A. Last evaluated: 2018-01-13. Review status: criteria provided, single submitter. Criteria: ICSL Variant Classification Criteria 13 December 2019. Collection method: clinical testing. Allele origin: germline.

Literature cited by the submitters: PubMed 17576681 (cited by Labcorp Genetics (formerly Invitae), Labcorp); PubMed 9536098 (cited by Labcorp Genetics (formerly Invitae), Labcorp).